The following is an entry in ClinVar:

NM_000222.3(KIT):c.1441A>T (p.Ser481Cys)

Gene: KIT (KIT proto-oncogene, receptor tyrosine kinase; plus strand). Cytogenetic location: 4q12.
Variant type: single nucleotide variant.
Coding change: c.1441A>T on transcript NM_000222.3 (MANE Select); coding-DNA position 1441, A replaced by T.
Protein change: p.Ser481Cys; replaces serine 481 with cysteine.
Molecular consequence: missense variant.
Genome position (GRCh38, 1-based): chr4:54,725,951, A>T. VCF-style: chr4-54725951-A-T. GRCh37 (hg19) VCF-style: chr4-55592117-A-T.
Other names: c.1441A>T, p.Ser481Cys (NM_001093772.2, NM_001385285.1, NM_001385286.1); c.1444A>T, p.Ser482Cys (NM_001385284.1, NM_001385288.1, NM_001385290.1 and 1 more transcripts); short protein forms S481C, S482C.
Identifiers: ClinVar variation 2844349 (VCV002844349.3), dbSNP rs2475536815, ClinGen allele CA356906403.
Genomic context (GRCh38, chr4:54,725,951, plus strand): 5'-ACACTAAACTCATCTGGGCCACCGTTTGGAAAGCTAGTGGTTCAGAGTTCTATAGATTCT[A>T]GTGCATTCAAGCACAATGGCACGGTTGAATGTAAGGCTTACAACGATGTGGGCAAGACTT-3'
Protein context (NP_000213.1, residues 471-491): KLVVQSSIDS[Ser481Cys]AFKHNGTVEC

ClinVar aggregate classification (germline): Uncertain significance (1 of 4 stars; one submission).

Conditions:
Gastrointestinal stromal tumor. Also called: Gastrointestinal stromal tumor, somatic; Gastrointestinal stroma tumor. Identifiers: Orphanet 44890, MedGen C0238198, MeSH D046152, MONDO:0011719, OMIM 606764, HP:0100723.

Submission:

Labcorp Genetics (formerly Invitae), Labcorp
Classification: Uncertain significance for Gastrointestinal stromal tumor. Last evaluated: 2023-03-09. Review status: criteria provided, single submitter. Criteria: Invitae Variant Classification Sherloc (09022015). Collection method: clinical testing. Allele origin: germline.
Comment: This sequence change replaces serine, which is neutral and polar, with cysteine, which is neutral and slightly polar, at codon 481 of the KIT protein (p.Ser481Cys). This variant is not present in population databases (gnomAD no frequency). This variant has not been reported in the literature in individuals affected with KIT-related conditions. An algorithm developed to predict the effect of missense changes on protein structure and function (PolyPhen-2) suggests that this variant is likely to be disruptive. In summary, the available evidence is currently insufficient to determine the role of this variant in disease. Therefore, it has been classified as a Variant of Uncertain Significance.